The following is an entry in ClinVar:

ClinVar aggregate classification (germline): Likely pathogenic (1 of 4 stars; one submission).

Conditions:
Dilated cardiomyopathy 1G (CMD1G). Identifiers: Orphanet 154, MedGen C1858763, MONDO:0011400, OMIM 604145.

Submission:

Juno Genomics, Hangzhou Juno Genomics, Inc
Classification: Likely pathogenic for Dilated cardiomyopathy 1G. Review status: criteria provided, single submitter. Criteria: ACMG Guidelines, 2015. Collection method: clinical testing. Allele origin: germline. Affected: yes.
Comment: Absent from controls (or at extremely low frequency if recessive) in Genome Aggregation Database, Exome Sequencing Project, 1000 Genomes Project, or Exome Aggregation Consortium.;Null variant in a gene where loss of function (LOF) is a known mechanism of disease.

NM_001267550.2(TTN):c.15562C>T (p.Gln5188Ter)

Gene: TTN (titin; minus strand). Cytogenetic location: 2q31.2.
Variant type: single nucleotide variant.
Coding change: c.15562C>T on transcript NM_001267550.2 (MANE Select); coding-DNA position 15562, C replaced by T.
Protein change: p.Gln5188Ter; replaces glutamine 5188 with a stop codon.
Molecular consequence: nonsense. On other transcripts: intron variant (3).
Genome position (GRCh38, 1-based): chr2:178,733,827, G>A on the plus strand (C>T on the coding strand, the complement: TTN is on the minus strand). VCF-style: chr2-178733827-G-A. GRCh37 (hg19) VCF-style: chr2-179598554-G-A.
Other names: c.14611C>T, p.Gln4871Ter (NM_001256850.1); c.11830C>T, p.Gln3944Ter (NM_133378.4); c.13282+4255C>T (NM_003319.4); c.13858+4255C>T (NM_133437.4); c.13657+4255C>T (NM_133432.3); short protein forms Q3944*, Q4871*, Q5188*.
Identifiers: ClinVar variation 3381878 (VCV003381878.2).